The following is an entry in ClinVar:

NM_032539.5(SLITRK2):c.249C>G (p.Val83=)

Gene: SLITRK2 (SLIT and NTRK like family member 2; plus strand). Cytogenetic location: Xq27.3.
Variant type: single nucleotide variant.
Coding change: c.249C>G on transcript NM_032539.5 (MANE Select); coding-DNA position 249, C replaced by G.
Protein change: p.Val83=; no amino-acid change (valine 83 retained).
Molecular consequence: synonymous variant.
Genome position (GRCh38, 1-based): chrX:145,822,674, C>G. VCF-style: chrX-145822674-C-G. GRCh37 (hg19) VCF-style: chrX-144904192-C-G.
Other names: c.249C>G, p.Val83= (NM_001144003.3, NM_001144004.3, NM_001144005.3 and 4 more transcripts).
Identifiers: ClinVar variation 2661583 (VCV002661583.24), dbSNP rs376893929, ClinGen allele CA10535072.

ClinVar aggregate classification (germline): Likely benign (1 of 4 stars; one submission).

Allele frequency attached by ClinVar (database versions not stated): gnomAD 0.00025; gnomAD exomes 0.00037; ExAC 0.00038; ESP Exome Variant Server 0.00038.
gnomAD v4.1: 453 of 1,209,832 alleles (0.037%); highest among the groups gnomAD compares: Non-Finnish European, 0.026%; no homozygotes.

Submission:

CeGaT Center for Human Genetics Tuebingen
Classification: Likely benign. Last evaluated: 2023-02-01. Review status: criteria provided, single submitter. Criteria: CeGaT Center For Human Genetics Tuebingen Variant Classification Criteria Version 2. Collection method: clinical testing. Allele origin: germline. Affected: yes. Observed: 1 variant allele.
Comment: SLITRK2: BP4, BP7, BS2